The following is an entry in ClinVar:

ClinVar aggregate classification (germline): Benign (1 of 4 stars; one submission).

Allele frequency attached by ClinVar (database versions not stated): gnomAD 0.01448 and 0.01560; 1000 Genomes Project 0.01597; 1000 Genomes Project 30x 0.01546; TOPMed 0.01638.

Submission:

GeneDx
Classification: Benign. Last evaluated: 2018-06-14. Review status: criteria provided, single submitter. Criteria: GeneDx Variant Classification (06012015). Collection method: clinical testing. Allele origin: germline. Affected: yes.
Comment: This variant is considered likely benign or benign based on one or more of the following criteria: it is a conservative change, it occurs at a poorly conserved position in the protein, it is predicted to be benign by multiple in silico algorithms, and/or has population frequency not consistent with disease.

NM_004588.4(SCN2B):c.-511A>G

Gene: SCN2B (sodium voltage-gated channel beta subunit 2; minus strand). Cytogenetic location: 11q23.3.
Variant type: single nucleotide variant.
Coding change: c.-511A>G on transcript NM_004588.4; 511 bases upstream of the start codon, A replaced by G.
Genome position (GRCh38, 1-based): chr11:118,176,942, T>C on the plus strand (A>G on the coding strand, the complement: SCN2B is on the minus strand). VCF-style: chr11-118176942-T-C. GRCh37 (hg19) VCF-style: chr11-118047657-T-C.
Identifiers: ClinVar variation 670018 (VCV000670018.3), dbSNP rs72544147, ClinGen allele CA229474588.